The following is an entry in ClinVar:

NM_032043.3(BRIP1):c.1250T>A (p.Phe417Tyr)

Gene: BRIP1 (BRCA1 interacting DNA helicase 1; minus strand). Cytogenetic location: 17q23.2.
Variant type: single nucleotide variant.
Coding change: c.1250T>A on transcript NM_032043.3 (MANE Select); coding-DNA position 1250, T replaced by A.
Protein change: p.Phe417Tyr; replaces phenylalanine 417 with tyrosine.
Molecular consequence: missense variant.
Genome position (GRCh38, 1-based): chr17:61,799,190, A>T on the plus strand (T>A on the coding strand, the complement: BRIP1 is on the minus strand). VCF-style: chr17-61799190-A-T. GRCh37 (hg19) VCF-style: chr17-59876551-A-T.
Other names: short protein forms F417Y.
Identifiers: ClinVar variation 2107380 (VCV002107380.4), dbSNP rs2145304723, ClinGen allele CA400483604.
Genomic context (GRCh38, chr17:61,799,190, plus strand): 5'-GGTTCATGATCTTTCTTCCTTATATTATTGTTGACCATACTATCTAGTTCATCCCGAGCA[A>T]ACCGAAGCTGAACTTCTGTTACACTGTAACTTGCTGATTCCCGAGCACAGTCCTCGATGT-3'
Protein context (NP_114432.2, residues 407-427): SYSVTEVQLR[Phe417Tyr]ARDELDSMVN

ClinVar aggregate classification (germline): Uncertain significance (1 of 4 stars; one submission).

Conditions:
Familial cancer of breast. Also called: Hereditary breast cancer; BREAST CANCER, FAMILIAL; hereditary breast carcinoma. Identifiers: Orphanet 227535, MedGen C0346153, MONDO:0016419, OMIM 114480. Disease mechanism: loss of function.
Fanconi anemia complementation group J. Also called: BRIP1-Related Fanconi Anemia. Identifiers: Orphanet 84, MedGen C1836860, MONDO:0012187, OMIM 609054.

Submission:

Labcorp Genetics (formerly Invitae), Labcorp
Classification: Uncertain significance for Familial cancer of breast; Fanconi anemia complementation group J. Last evaluated: 2022-03-06. Review status: criteria provided, single submitter. Criteria: Invitae Variant Classification Sherloc (09022015). Collection method: clinical testing. Allele origin: germline.
Comment: Algorithms developed to predict the effect of missense changes on protein structure and function (SIFT, PolyPhen-2, Align-GVGD) all suggest that this variant is likely to be tolerated. In summary, the available evidence is currently insufficient to determine the role of this variant in disease. Therefore, it has been classified as a Variant of Uncertain Significance. This variant has not been reported in the literature in individuals affected with BRIP1-related conditions. This sequence change replaces phenylalanine, which is neutral and non-polar, with tyrosine, which is neutral and polar, at codon 417 of the BRIP1 protein (p.Phe417Tyr). This variant is not present in population databases (gnomAD no frequency).